The following is an entry in ClinVar:

ClinVar aggregate classification (germline): Uncertain significance (1 of 4 stars; one submission).

Submission:

Labcorp Genetics (formerly Invitae), Labcorp
Classification: Uncertain significance. Last evaluated: 2025-09-11. Review status: criteria provided, single submitter. Criteria: Invitae Variant Classification Sherloc (09022015). Collection method: clinical testing. Allele origin: germline.
Comment: This sequence change replaces tyrosine, which is neutral and polar, with phenylalanine, which is neutral and non-polar, at codon 219 of the PRPF8 protein (p.Tyr219Phe). This variant is not present in population databases (gnomAD no frequency). This variant has not been reported in the literature in individuals affected with PRPF8-related conditions. An algorithm developed to predict the effect of missense changes on protein structure and function (PolyPhen-2) suggests that this variant is likely to be tolerated. In summary, the available evidence is currently insufficient to determine the role of this variant in disease. Therefore, it has been classified as a Variant of Uncertain Significance.

NM_006445.4(PRPF8):c.656A>T (p.Tyr219Phe)

Gene: PRPF8 (pre-mRNA processing factor 8; minus strand). Cytogenetic location: 17p13.3.
Variant type: single nucleotide variant.
Coding change: c.656A>T on transcript NM_006445.4 (MANE Select); coding-DNA position 656, A replaced by T.
Protein change: p.Tyr219Phe; replaces tyrosine 219 with phenylalanine.
Molecular consequence: missense variant.
Genome position (GRCh38, 1-based): chr17:1,681,688, T>A on the plus strand (A>T on the coding strand, the complement: PRPF8 is on the minus strand). VCF-style: chr17-1681688-T-A. GRCh37 (hg19) VCF-style: chr17-1584982-T-A.
Other names: short protein forms Y219F.
Identifiers: ClinVar variation 4771316 (VCV004771316.1).